The following continues an entry in ClinVar:

NM_004415.4(DSP):c.6850C>T (p.Arg2284Ter)

Gene: DSP. ClinVar aggregate classification (germline): Pathogenic/Likely pathogenic. Pathogenic (6); Likely pathogenic (2).

Submissions 6 to 8 of 8:

All of Us Research Program, National Institutes of Health
Classification: Likely pathogenic for Arrhythmogenic cardiomyopathy with wooly hair and keratoderma. Last evaluated: 2023-10-02. Review status: criteria provided, single submitter. Criteria: ACMG Guidelines, 2015. Collection method: clinical testing. Allele origin: germline. Inheritance: Autosomal dominant inheritance. Observed: 2 variant alleles, 2 heterozygotes.
Comment: This variant changes 1 nucleotide in exon 24 of the DSP gene, creating a premature translation stop signal in the last exon. This variant is predicted to escape nonsense-mediated decay and be expressed as a truncated protein. Although functional studies have not been reported, this variant is expected to disrupt the plakin repeat domain B and C. Plakin repeat domains and downstream C-terminal sequence have been reported to be essential for interaction with intermediate filaments (PMID: 12101406, 12802069, 21756917). In addition, truncating variants occurring downstream of this variant are known to be disease-causing (ClinVar variation ID: 518482, 923199). This variant has been reported in at least 4 unrelated individuals affected with arrhythmogenic cardiomyopathy (PMID: 20400443, 32878047, 34640625, 36431211). It has been shown that this variant segregates with disease in 5 individuals from two of the families (PMID: 32878047, 34640625). This variant has also been reported in two unrelated individuals affected with dilated cardiomyopathy and one of them showed severe phenotype with an early age of onset, who was compound heterozygote with another pathogenic truncation variant in the DSP gene (PMID: 25516398, 30847666). This variant has not been identified in the general population by the Genome Aggregation Database (gnomAD). Based on the available evidence, this variant is classified as Likely Pathogenic.

This study involves interpretation of variants in research participants for the purpose of population health screening. Participant phenotype was not available at the time of variant classification. Additional details can be found in publication PMID: 35346344, PMCID: PMC8962531

Blueprint Genetics
Classification: Pathogenic for DSP-related disorders. Last evaluated: 2022-08-26. Review status: criteria provided, single submitter. Criteria: ACMG Guidelines, 2015. Collection method: clinical testing. Allele origin: germline. Affected: yes. Observed: 3 variant alleles.

Laboratory for Molecular Medicine, Mass General Brigham Personalized Medicine
Classification: Likely pathogenic for Arrhythmogenic right ventricular cardiomyopathy. Last evaluated: 2019-07-19. Review status: criteria provided, single submitter. Criteria: ACMG Guidelines, 2015. Collection method: clinical testing. Allele origin: germline. Inheritance: Autosomal dominant inheritance.
Comment: The p.Arg2284X variant in DSP has been reported in 1 individual with ARVC (Fressart 2010) and in a compound heterozygous individual (with p.Arg1400X) with early onset heart failure, alopecia and cutaneous abnormalities (Antonov 2015). The variant was absent from large population studies. It has been reported in ClinVar (Variation ID #199905). This nonsense variant leads to a premature termination codon at position 2284. This alteration occurs within the last exon and is, therefore, likely to escape nonsense mediated decay (NMD) and result in a truncated protein. However, additional truncating variants downstream of the p.Arg2284X variant have been reported in ARVC/ Carvajal syndrome patients, supporting that these truncations are disease causing. In summary, although additional studies are required to fully establish its clinical significance, this variant meets criteria to be classified as likely pathogenic for autosomal dominant ARVC (ACMG/AMP Criteria applied: PVS1_Strong, PM2) and for autosomal recessive Carvajal syndrome (ACMG/AMP Criteria applied: PVS1_Strong, PM2, PM3).

Literature cited by the submitters: PubMed 20400443 (cited by 5 submitters); PubMed 25516398 (cited by 5 submitters); PubMed 27532257 (cited by Labcorp Genetics (formerly Invitae), Labcorp); PubMed 28527814 (cited by Labcorp Genetics (formerly Invitae), Labcorp); PubMed 36580316 (cited by Victorian Clinical Genetics Services, Murdoch Childrens Research Institute); PubMed 29062697 (cited by Victorian Clinical Genetics Services, Murdoch Childrens Research Institute); PubMed 24901346 (cited by Ambry Genetics); PubMed 30847666 (cited by 3 submitters); PubMed 32878047 (cited by 3 submitters); PubMed 34640625 (cited by 3 submitters); PubMed 12101406 (cited by Color Diagnostics, LLC DBA Color Health and All of Us Research Program, National Institutes of Health); PubMed 12802069 (cited by Color Diagnostics, LLC DBA Color Health and All of Us Research Program, National Institutes of Health); PubMed 21756917 (cited by Color Diagnostics, LLC DBA Color Health and All of Us Research Program, National Institutes of Health); PubMed 36431211 (cited by Color Diagnostics, LLC DBA Color Health and All of Us Research Program, National Institutes of Health); PubMed 37904629 (cited by Color Diagnostics, LLC DBA Color Health).